The following is an entry in ClinVar:

ClinVar aggregate classification (germline): Uncertain significance (1 of 4 stars; one submission).

Conditions:
Progressive external ophthalmoplegia with mitochondrial DNA deletions, autosomal recessive 2 (PEOB2). Also called: PROGRESSIVE EXTERNAL OPHTHALMOPLEGIA, AUTOSOMAL RECESSIVE 2. Identifiers: Orphanet 329336, MedGen C4225312, MONDO:0014656, OMIM 616479.

Allele frequency attached by ClinVar (database versions not stated): gnomAD exomes below 0.00001.
gnomAD v4.1: 1 of 1,613,328 alleles (0.000062%); highest among the groups gnomAD compares: Non-Finnish European, 0.000085%; no homozygotes.

Submission:

Neuberg Centre For Genomic Medicine, NCGM
Classification: Uncertain significance for Progressive external ophthalmoplegia with mitochondrial DNA deletions, autosomal recessive 2. Review status: criteria provided, single submitter. Criteria: ACMG Guidelines, 2015. Collection method: clinical testing. Allele origin: germline. Inheritance: Autosomal recessive inheritance. Affected: yes.
Comment: The missense variant p.L176F in RNASEH1 (NM_002936.6) has not been reported previously as a pathogenic variant nor as a benign variant, to our knowledge. The p.L176F variant is novel (not in any individuals) in gnomAD Exomes and is novel (not in any individuals) in 1000 Genomes.The p.L176F missense variant is predicted to be damaging by both SIFT and PolyPhen2. The leucine residue at codon 176 of RNASEH1 is conserved in all mammalian species. The nucleotide c.526 in RNASEH1 is predicted conserved by GERP++ and PhyloP across 100 vertebrates. For these reasons, this variant has been classified as Uncertain Significance.

NM_002936.6(RNASEH1):c.526C>T (p.Leu176Phe)

Gene: RNASEH1 (ribonuclease H1; minus strand). Cytogenetic location: 2p25.3.
Variant type: single nucleotide variant.
Coding change: c.526C>T on transcript NM_002936.6 (MANE Select); coding-DNA position 526, C replaced by T.
Protein change: p.Leu176Phe; replaces leucine 176 with phenylalanine.
Molecular consequence: missense variant. On other transcripts: non-coding transcript variant (6).
Genome position (GRCh38, 1-based): chr2:3,549,096, G>A on the plus strand (C>T on the coding strand, the complement: RNASEH1 is on the minus strand). VCF-style: chr2-3549096-G-A. GRCh37 (hg19) VCF-style: chr2-3596686-G-A.
Other names: c.448C>T, p.Leu150Phe (NM_001286834.3); c.175C>T, p.Leu59Phe (NM_001286837.3); c.526C>T, p.Leu176Phe (NM_001378271.1); c.523C>T, p.Leu175Phe (NM_001378272.1); c.511C>T, p.Leu171Phe (NM_001378273.1); short protein forms L150F, L171F, L175F, L176F, L59F.
Identifiers: ClinVar variation 2627453 (VCV002627453.1), dbSNP rs2528050039, ClinGen allele CA345736950.